The following is an entry in ClinVar:

NM_004082.5(DCTN1):c.1882_1884del (p.Glu628del)

Gene: DCTN1 (dynactin subunit 1; minus strand). Cytogenetic location: 2p13.1.
Variant type: Deletion.
Coding change: c.1882_1884del on transcript NM_004082.5 (MANE Select); coding-DNA positions 1882 to 1884, 3 bases deleted (GAG; older notation c.1882_1884delGAG).
Protein change: p.Glu628del; deletes glutamic acid 628.
Molecular consequence: inframe deletion. On other transcripts: non-coding transcript variant (1).
Genome position (GRCh38, 1-based): chr2:74,368,102-74,368,104, CTC deleted on the plus strand (GAG on the coding strand, the reverse complement: DCTN1 is on the minus strand); deleting any 3 consecutive bases within chr2:74,368,102-74,368,106 gives the same sequence; the c. name uses the placement nearest the transcript's 3' end. VCF-style (leftmost placement, unchanged base first): chr2-74368101-TCTC-T. GRCh37 (hg19) VCF-style: chr2-74595228-TCTC-T.
Other names: c.1822_1824del, p.Glu608del (NM_001135040.3); c.1480_1482del, p.Glu494del (NM_001135041.3, NM_023019.4); c.1771_1773del, p.Glu591del (NM_001190836.2); c.1861_1863del, p.Glu621del (NM_001190837.2); c.1831_1833del, p.Glu611del (NM_001378991.1); c.1813_1815del, p.Glu605del (NM_001378992.1); short protein forms E605del, E628del, E591del, E611del, E621del, E494del, E608del.
Identifiers: ClinVar variation 2005206 (VCV002005206.4), dbSNP rs2529131449, ClinGen allele CA2580068203.

ClinVar aggregate classification (germline): Uncertain significance (1 of 4 stars; one submission).

Conditions:
Amyotrophic lateral sclerosis type 1 (ALS1). Also called: AMYOTROPHIC LATERAL SCLEROSIS 1, FAMILIAL. Identifiers: Orphanet 803, MedGen C1862939, MONDO:0007103, OMIM 105400.
Perry syndrome. Also called: PARKINSONISM WITH ALVEOLAR HYPOVENTILATION AND MENTAL DEPRESSION. Identifiers: Orphanet 178509, MedGen C1868594, MONDO:0008201, OMIM 168605.
Neuronopathy, distal hereditary motor, type 7B. Also called: Distal Hereditary Motor Neuronopathy Type 7B (dHMN7B); NEURONOPATHY, DISTAL HEREDITARY MOTOR, AUTOSOMAL DOMINANT 14; NEURONOPATHY, DISTAL HEREDITARY MOTOR, HARDING TYPE VIIB; NEUROPATHY, DISTAL HEREDITARY MOTOR, HARDING TYPE VIIB; NEUROPATHY, DISTAL HEREDITARY MOTOR, WITH VOCAL CORD PARALYSIS, HARDING TYPE VIIB; HMN VIIB. Identifiers: Orphanet 139589, MedGen C1843315, MONDO:0011879, OMIM 607641.

Submission:

Labcorp Genetics (formerly Invitae), Labcorp
Classification: Uncertain significance for Amyotrophic lateral sclerosis type 1; Neuronopathy, distal hereditary motor, type 7B; Perry syndrome. Last evaluated: 2022-06-12. Review status: criteria provided, single submitter. Criteria: Invitae Variant Classification Sherloc (09022015). Collection method: clinical testing. Allele origin: germline.
Comment: Experimental studies and prediction algorithms are not available or were not evaluated, and the functional significance of this variant is currently unknown. In summary, the available evidence is currently insufficient to determine the role of this variant in disease. Therefore, it has been classified as a Variant of Uncertain Significance. This variant has not been reported in the literature in individuals affected with DCTN1-related conditions. This variant is not present in population databases (gnomAD no frequency). This variant, c.1882_1884del, results in the deletion of 1 amino acid(s) of the DCTN1 protein (p.Glu628del), but otherwise preserves the integrity of the reading frame.